The following is an entry in ClinVar:

ClinVar aggregate classification (germline): Likely pathogenic (1 of 4 stars; one submission).

Conditions:
Frontotemporal dementia and/or amyotrophic lateral sclerosis 6 (FTDALS6). Also called: VCP-Related Amyotrophic Lateral Sclerosis; VCP-Related Amyotrophic Lateral Sclerosis/Frontotemporal Dementia. Identifiers: Orphanet 275872, Orphanet 803, MedGen C5436279, MONDO:0013501, OMIM 613954.
Inclusion body myopathy with Paget disease of bone and frontotemporal dementia. Also called: Inclusion body myopathy with early-onset Paget disease and frontotemporal dementia. Identifiers: Orphanet 52430, MedGen C1833662, MONDO:0000507.

Submission:

Labcorp Genetics (formerly Invitae), Labcorp
Classification: Likely pathogenic for Inclusion body myopathy with Paget disease of bone and frontotemporal dementia; Frontotemporal dementia and/or amyotrophic lateral sclerosis 6. Last evaluated: 2025-12-12. Review status: criteria provided, single submitter. Criteria: Invitae Variant Classification Sherloc (09022015). Collection method: clinical testing. Allele origin: germline.
Comment: This sequence change replaces arginine, which is basic and polar, with serine, which is neutral and polar, at codon 95 of the VCP protein (p.Arg95Ser). This variant is not present in population databases (gnomAD no frequency). This missense change has been observed in individual(s) with clinical features of VCP-related conditions (internal data). ClinVar contains an entry for this variant (Variation ID: 2954479). Invitae Evidence Modeling of protein sequence and biophysical properties (such as structural, functional, and spatial information, amino acid conservation, physicochemical variation, residue mobility, and thermodynamic stability) indicates that this missense variant is expected to disrupt VCP protein function with a positive predictive value of 95%. Algorithms developed to predict the effect of sequence changes on RNA splicing suggest that this variant may create or strengthen a splice site. This variant disrupts the p.Arg95 amino acid residue in VCP. Other variant(s) that disrupt this residue have been determined to be pathogenic (PMID: 15034582, 20604808, 22270372, 22909335, 23333620). This suggests that this residue is clinically significant, and that variants that disrupt this residue are likely to be disease-causing. In summary, the currently available evidence indicates that the variant is pathogenic, but additional data are needed to prove that conclusively. Therefore, this variant has been classified as Likely Pathogenic.

Literature cited by the submitters: PubMed 15034582; PubMed 20604808; PubMed 22270372; PubMed 22909335; PubMed 23333620.

NM_007126.5(VCP):c.283C>A (p.Arg95Ser)

Gene: VCP (valosin containing protein; minus strand). Cytogenetic location: 9p13.3.
Variant type: single nucleotide variant.
Coding change: c.283C>A on transcript NM_007126.5 (MANE Select); coding-DNA position 283, C replaced by A.
Protein change: p.Arg95Ser; replaces arginine 95 with serine.
Molecular consequence: missense variant.
Genome position (GRCh38, 1-based): chr9:35,067,910, G>T on the plus strand (C>A on the coding strand, the complement: VCP is on the minus strand). VCF-style: chr9-35067910-G-T. GRCh37 (hg19) VCF-style: chr9-35067907-G-T.
Other names: c.148C>A, p.Arg50Ser (NM_001354927.2, NM_001354928.2); short protein forms R50S, R95S.
Identifiers: ClinVar variation 2954479 (VCV002954479.3), dbSNP rs121909332, ClinGen allele CA373293362.